The following is an entry in ClinVar:

ClinVar aggregate classification (germline): Uncertain significance (1 of 4 stars; one submission).

Submission:

CeGaT Center for Human Genetics Tuebingen
Classification: Uncertain significance. Last evaluated: 2023-09-01. Review status: criteria provided, single submitter. Criteria: CeGaT Center For Human Genetics Tuebingen Variant Classification Criteria Version 2. Collection method: clinical testing. Allele origin: germline. Affected: yes. Observed: 1 variant allele.
Comment: SIN3A: PM2

NM_001145358.2(SIN3A):c.1008G>C (p.Gln336His)

Gene: SIN3A (SIN3 transcription regulator family member A; minus strand). Cytogenetic location: 15q24.2.
Variant type: single nucleotide variant.
Coding change: c.1008G>C on transcript NM_001145358.2 (MANE Select); coding-DNA position 1008, G replaced by C.
Protein change: p.Gln336His; replaces glutamine 336 with histidine.
Molecular consequence: missense variant.
Genome position (GRCh38, 1-based): chr15:75,411,492, C>G on the plus strand (G>C on the coding strand, the complement: SIN3A is on the minus strand). VCF-style: chr15-75411492-C-G. GRCh37 (hg19) VCF-style: chr15-75703833-C-G.
Other names: c.1008G>C, p.Gln336His (NM_001145357.2, NM_015477.3); short protein forms Q336H.
Identifiers: ClinVar variation 2645561 (VCV002645561.24), dbSNP rs2542689878, ClinGen allele CA393446906.